The following is an entry in ClinVar:

ClinVar aggregate classification (germline): Uncertain significance (1 of 4 stars; one submission).

Conditions:
RYR1-related disorder. Also called: RYR1-related condition; RYR1-related disorders. Identifiers: MedGen CN239331.

gnomAD v4.1: 19 of 1,548,512 alleles (0.0012%); highest among the groups gnomAD compares: African/African-American, 0.0082%; no homozygotes.

Submission:

Labcorp Genetics (formerly Invitae), Labcorp
Classification: Uncertain significance for RYR1-related disorder. Last evaluated: 2025-08-20. Review status: criteria provided, single submitter. Criteria: Invitae Variant Classification Sherloc (09022015). Collection method: clinical testing. Allele origin: germline.
Comment: This sequence change replaces alanine, which is neutral and non-polar, with valine, which is neutral and non-polar, at codon 1367 of the RYR1 protein (p.Ala1367Val). This variant is present in population databases (no rsID available, gnomAD 0.02%). This variant has not been reported in the literature in individuals affected with RYR1-related conditions. Invitae Evidence Modeling of protein sequence and biophysical properties (such as structural, functional, and spatial information, amino acid conservation, physicochemical variation, residue mobility, and thermodynamic stability) indicates that this missense variant is not expected to disrupt RYR1 protein function with a negative predictive value of 95%. In summary, the available evidence is currently insufficient to determine the role of this variant in disease. Therefore, it has been classified as a Variant of Uncertain Significance.

NM_000540.3(RYR1):c.4100C>T (p.Ala1367Val)

Gene: RYR1 (ryanodine receptor 1; plus strand). Cytogenetic location: 19q13.2.
Variant type: single nucleotide variant.
Coding change: c.4100C>T on transcript NM_000540.3 (MANE Select); coding-DNA position 4100, C replaced by T.
Protein change: p.Ala1367Val; replaces alanine 1367 with valine.
Molecular consequence: missense variant.
Genome position (GRCh38, 1-based): chr19:38,473,711, C>T. VCF-style: chr19-38473711-C-T. GRCh37 (hg19) VCF-style: chr19-38964351-C-T.
Other names: c.4100C>T, p.Ala1367Val (NM_001042723.2); short protein forms A1367V.
Identifiers: ClinVar variation 4738157 (VCV004738157.1).